The following is an entry in ClinVar:

NM_001042492.3(NF1):c.5032T>C (p.Tyr1678His)

Gene: NF1 (neurofibromin 1; plus strand). Cytogenetic location: 17q11.2.
Variant type: single nucleotide variant.
Coding change: c.5032T>C on transcript NM_001042492.3 (MANE Select); coding-DNA position 5032, T replaced by C.
Protein change: p.Tyr1678His; replaces tyrosine 1678 with histidine.
Molecular consequence: missense variant.
Genome position (GRCh38, 1-based): chr17:31,326,016, T>C. VCF-style: chr17-31326016-T-C. GRCh37 (hg19) VCF-style: chr17-29653034-T-C.
Other names: c.4969T>C, p.Tyr1657His (NM_000267.4); short protein forms Y1657H, Y1678H.
Identifiers: ClinVar variation 186815 (VCV000186815.13), dbSNP rs786203241, ClinGen allele CA195951.

ClinVar aggregate classification (germline): Uncertain significance. Review status: criteria provided, multiple submitters, no conflicts (2 of 4 stars). 5 submissions from 4 submitters: Uncertain significance (5). Last evaluated 2024-07-15.

Conditions:
Hereditary cancer-predisposing syndrome. Also called: Hereditary Cancer Syndrome; Neoplastic Syndromes, Hereditary; Tumor predisposition; Hereditary neoplastic syndrome. Identifiers: Orphanet 140162, MedGen C0027672, MeSH D009386, MONDO:0015356.
Cardiovascular phenotype. Identifiers: MedGen CN230736.
Juvenile myelomonocytic leukemia (JMML). Also called: LEUKEMIA, JUVENILE MYELOMONOCYTIC, SOMATIC. Identifiers: Orphanet 86834, MedGen C0349639, MONDO:0011908, OMIM 607785, HP:0012209.
Neurofibromatosis, type 1 (NF1). Also called: NEUROFIBROMATOSIS, TYPE I, SOMATIC; VON RECKLINGHAUSEN DISEASE; Peripheral type neurofibromatosis; Neurofibromatosis, type I. Identifiers: Orphanet 636, MedGen C0027831, MONDO:0018975, OMIM 162200. Disease mechanism: loss of function.

Submissions (5):

Labcorp Genetics (formerly Invitae), Labcorp
Classification: Uncertain significance for Neurofibromatosis, type 1. Last evaluated: 2024-07-15. Review status: criteria provided, single submitter. Criteria: Invitae Variant Classification Sherloc (09022015). Collection method: clinical testing. Allele origin: germline.
Comment: This sequence change replaces tyrosine, which is neutral and polar, with histidine, which is basic and polar, at codon 1657 of the NF1 protein (p.Tyr1657His). This variant is not present in population databases (gnomAD no frequency). This variant has not been reported in the literature in individuals affected with NF1-related conditions. ClinVar contains an entry for this variant (Variation ID: 186815). Advanced modeling of protein sequence and biophysical properties (such as structural, functional, and spatial information, amino acid conservation, physicochemical variation, residue mobility, and thermodynamic stability) performed at Invitae indicates that this missense variant is expected to disrupt NF1 protein function with a positive predictive value of 95%. This variant disrupts the p.Tyr1657 amino acid residue in NF1. Other variant(s) that disrupt this residue have been determined to be pathogenic (Invitae). This suggests that this residue is clinically significant, and that variants that disrupt this residue are likely to be disease-causing. In summary, the available evidence is currently insufficient to determine the role of this variant in disease. Therefore, it has been classified as a Variant of Uncertain Significance.

Baylor Genetics
Classification: Uncertain significance for Juvenile myelomonocytic leukemia. Last evaluated: 2023-12-22. Review status: criteria provided, single submitter. Criteria: ACMG Guidelines, 2015. Collection method: clinical testing. Allele origin: unknown.

Genome-Nilou Lab
Classification: Uncertain significance for Neurofibromatosis, type 1. Last evaluated: 2022-03-15. Review status: criteria provided, single submitter. Criteria: ACMG Guidelines, 2015. Collection method: clinical testing. Allele origin: germline. Affected: no.

Ambry Genetics
Classification: Uncertain significance for Cardiovascular phenotype; Hereditary cancer-predisposing syndrome. Last evaluated: 2020-07-29. Review status: criteria provided, single submitter. Criteria: Ambry Variant Classification Scheme 2023. Collection method: clinical testing. Allele origin: germline.

Ambry Genetics
Classification: Uncertain significance for Hereditary cancer-predisposing syndrome. Last evaluated: 2014-11-04. Review status: criteria provided, single submitter. Criteria: Ambry Autosomal Dominant and X-Linked criteria (10/2015). Collection method: clinical testing. Allele origin: germline. Observed: 1 variant allele.
Comment: Ã¢â‚¬â€¹<span style="background-color: initial;">The<strong style="background-color: initial;">p.Y1678H<span style="background-color: initial;"> variant (also known as c.5032T>C), located in coding exon 37 of the<em style="background-color: initial;">NF1<span style="background-color: initial;"> gene, results from a T to C substitution at nucleotide position 5032. The tyrosine at codon 1678 is replaced by histidine, an amino acid with similar properties. This variant was not reported in population based cohorts in the following databases: Database of Single Nucleotide Polymorphisms (dbSNP), NHLBI Exome Sequencing Project (ESP), and 1000 Genomes Project. In the ESP, this variant was not observed in 6503 samples (13006 alleles) with coverage at this position. To date, this alteration has been detected with an allele frequency of approximately 0.01% (greater than 11000 alleles tested) in our clinical cohort. This amino acid position is well conserved in available vertebrate species. In addition, this alteration is predicted to be probably damaging and deleterious by PolyPhen and SIFT<em style="background-color: initial;">in silico<span style="background-color: initial;"> analyses, respectively. Since supporting evidence is limited at this time, the clinical significance of p.Y1678H remains unclear.